The following is an entry in ClinVar:

NM_016188.5(ACTL6B):c.882C>T (p.Tyr294=)

Gene: ACTL6B (actin like 6B; minus strand). Cytogenetic location: 7q22.1.
Variant type: single nucleotide variant.
Coding change: c.882C>T on transcript NM_016188.5 (MANE Select); coding-DNA position 882, C replaced by T.
Protein change: p.Tyr294=; no amino-acid change (tyrosine 294 retained).
Molecular consequence: synonymous variant. On other transcripts: non-coding transcript variant (1).
Genome position (GRCh38, 1-based): chr7:100,647,025, G>A on the plus strand (C>T on the coding strand, the complement: ACTL6B is on the minus strand). VCF-style: chr7-100647025-G-A. GRCh37 (hg19) VCF-style: chr7-100244648-G-A.
Identifiers: ClinVar variation 4873726 (VCV004873726.2).

ClinVar aggregate classification (germline): Likely benign (1 of 4 stars; one submission).

gnomAD v4.1: 14 of 1,613,986 alleles (0.00087%); highest among the groups gnomAD compares: African/African-American, 0.0053%; no homozygotes.

Submission:

CeGaT Center for Human Genetics Tuebingen
Classification: Likely benign. Last evaluated: 2026-04-01. Review status: criteria provided, single submitter. Criteria: CeGaT Center For Human Genetics Tuebingen Variant Classification Criteria Version 2. Collection method: clinical testing. Allele origin: germline. Affected: yes. Observed: 1 variant allele.
Comment: ACTL6B: BP4, BP7